The following is an entry in ClinVar:

NM_006648.4(WNK2):c.304G>T (p.Val102Leu)

Gene: WNK2 (WNK lysine deficient protein kinase 2; plus strand). Cytogenetic location: 9q22.31.
Variant type: single nucleotide variant.
Coding change: c.304G>T on transcript NM_006648.4 (MANE Select); coding-DNA position 304, G replaced by T.
Protein change: p.Val102Leu; replaces valine 102 with leucine.
Molecular consequence: missense variant.
Genome position (GRCh38, 1-based): chr9:93,185,233, G>T. VCF-style: chr9-93185233-G-T. GRCh37 (hg19) VCF-style: chr9-95947515-G-T.
Other names: c.304G>T, p.Val102Leu (NM_001282394.3); short protein forms V102L.
Identifiers: ClinVar variation 3817106 (VCV003817106.1).

ClinVar aggregate classification (germline): Uncertain significance (1 of 4 stars; one submission).

Submission:

Ambry Genetics
Classification: Uncertain significance. Last evaluated: 2025-02-16. Review status: criteria provided, single submitter. Criteria: Ambry Variant Classification Scheme 2023. Collection method: clinical testing. Allele origin: germline.
Comment: The p.V102L variant (also known as c.304G>T), located in coding exon 1 of the WNK2 gene, results from a G to T substitution at nucleotide position 304. The valine at codon 102 is replaced by leucine, an amino acid with highly similar properties. This amino acid position is conserved. In addition, this alteration is predicted to be tolerated by in silico analysis. Based on the available evidence, the clinical significance of this variant remains unclear.